The following is an entry in ClinVar:

NM_000035.4(ALDOB):c.255C>G (p.Tyr85Ter)

Gene: ALDOB (aldolase, fructose-bisphosphate B; minus strand). Cytogenetic location: 9q31.1.
Variant type: single nucleotide variant.
Coding change: c.255C>G on transcript NM_000035.4 (MANE Select); coding-DNA position 255, C replaced by G.
Protein change: p.Tyr85Ter; replaces tyrosine 85 with a stop codon.
Molecular consequence: nonsense.
Genome position (GRCh38, 1-based): chr9:101,429,824, G>C on the plus strand (C>G on the coding strand, the complement: ALDOB is on the minus strand). VCF-style: chr9-101429824-G-C. GRCh37 (hg19) VCF-style: chr9-104192106-G-C.
Other names: c.255C>G (NM_000035.3); short protein forms Y85*.
Identifiers: ClinVar variation 1451325 (VCV001451325.7), dbSNP rs761063847, ClinGen allele CA374265776.
Genomic context (GRCh38, chr9:101,429,824, plus strand): 5'-CACCACGATCCCCTTTTCCTTGAGGATGTTTCTGAACAGCTTTCCCTGGCTGTCCTTCTG[G>C]TAGAGGGTCTCGTGGAAAAGGATCACACCCCCGATGCTCTGGTTGATGGAACTGTCCACA-3'

ClinVar aggregate classification (germline): Pathogenic. Review status: criteria provided, multiple submitters, no conflicts (2 of 4 stars). 2 submissions from 2 submitters: Pathogenic (2). Last evaluated 2022-02-01.

Conditions:
Inborn genetic diseases. Identifiers: MedGen C0950123, MeSH D030342.
Hereditary fructosuria. Also called: Hereditary fructose intolerance; Fructose intolerance; ALDOB DEFICIENCY; ALDOLASE B DEFICIENCY; FRUCTOSE-1,6-BISPHOSPHATE ALDOLASE B DEFICIENCY; FRUCTOSE-1-PHOSPHATE ALDOLASE DEFICIENCY. Identifiers: Orphanet 469, MedGen C0016751, MONDO:0009249, OMIM 229600, HP:0005973. Disease mechanism: loss of function.

Submissions (2):

Labcorp Genetics (formerly Invitae), Labcorp
Classification: Pathogenic for Hereditary fructosuria. Last evaluated: 2022-02-01. Review status: criteria provided, single submitter. Criteria: Invitae Variant Classification Sherloc (09022015). Collection method: clinical testing. Allele origin: germline.
Comment: This sequence change creates a premature translational stop signal (p.Tyr85*) in the ALDOB gene. It is expected to result in an absent or disrupted protein product. Loss-of-function variants in ALDOB are known to be pathogenic (PMID: 18541450). This variant is not present in population databases (gnomAD no frequency). This variant has not been reported in the literature in individuals affected with ALDOB-related conditions. For these reasons, this variant has been classified as Pathogenic.

Ambry Genetics
Classification: Pathogenic for Inborn genetic diseases. Last evaluated: 2022-01-26. Review status: criteria provided, single submitter. Criteria: Ambry Variant Classification Scheme 2023. Collection method: clinical testing. Allele origin: germline.
Comment: The c.255C>G (p.Y85*) alteration, located in exon 3 (coding exon 2) of the ALDOB gene, consists of a C to G substitution at nucleotide position 255. This changes the amino acid from a tyrosine (Y) to a stop codon at amino acid position 85. This alteration is expected to result in loss of function by premature protein truncation or nonsense-mediated mRNA decay. This variant was not reported in population-based cohorts in the Genome Aggregation Database (gnomAD). Based on the available evidence, this alteration is classified as pathogenic.

Literature cited by the submitters: PubMed 18541450 (cited by Labcorp Genetics (formerly Invitae), Labcorp).